The following is an entry in ClinVar:

NM_006206.6(PDGFRA):c.859G>A (p.Asp287Asn)

Gene: PDGFRA (platelet derived growth factor receptor alpha; plus strand). Cytogenetic location: 4q12.
Variant type: single nucleotide variant.
Coding change: c.859G>A on transcript NM_006206.6 (MANE Select); coding-DNA position 859, G replaced by A.
Protein change: p.Asp287Asn; replaces aspartic acid 287 with asparagine.
Molecular consequence: missense variant.
Genome position (GRCh38, 1-based): chr4:54,267,388, G>A. VCF-style: chr4-54267388-G-A. GRCh37 (hg19) VCF-style: chr4-55133555-G-A.
Other names: c.859G>A, p.Asp287Asn (NM_001347827.2, NM_001347829.2); c.934G>A, p.Asp312Asn (NM_001347828.2); c.898G>A, p.Asp300Asn (NM_001347830.2); short protein forms D287N, D300N, D312N.
Identifiers: ClinVar variation 528584 (VCV000528584.14), dbSNP rs1553903251, ClinGen allele CA356891259.

ClinVar aggregate classification (germline): Uncertain significance. Review status: criteria provided, multiple submitters, no conflicts (2 of 4 stars). 4 submissions from 4 submitters: Uncertain significance (4). Last evaluated 2026-02-05.

Conditions:
Polyps, multiple and recurrent inflammatory fibroid, gastrointestinal. Identifiers: MedGen C5193005, MONDO:0008285, OMIM 175510.
Hereditary cancer-predisposing syndrome. Also called: Hereditary neoplastic syndrome; Tumor predisposition; Neoplastic Syndromes, Hereditary; Hereditary Cancer Syndrome. Identifiers: Orphanet 140162, MedGen C0027672, MeSH D009386, MONDO:0015356.
Gastrointestinal stromal tumor. Also called: Gastrointestinal stroma tumor; Gastrointestinal stromal tumor, somatic. Identifiers: Orphanet 44890, MedGen C0238198, MeSH D046152, MONDO:0011719, OMIM 606764, HP:0100723.

Submissions (4):

Helix
Classification: Uncertain significance for Polyps, multiple and recurrent inflammatory fibroid, gastrointestinal. Last evaluated: 2026-02-05. Review status: criteria provided, single submitter. Criteria: ACMG Guidelines, 2015. Collection method: clinical testing. Allele origin: germline. Inheritance: Autosomal dominant inheritance.
Comment: This variant (NM_006206.6:c.859G>A p.Asp287Asn) results in the substitution of aspartic acid with asparagine at codon 287 in the PDGFRA protein. It is a rare variant that is absent from the large gnomAD population database (v4.1). To our knowledge, this variant has not been reported in individuals with PDGFRA-related conditions in the published literature. In silico prediction from REVEL (PMID: 27666373) suggests that this variant may be benign. This variant is present in ClinVar (Accession: VCV000528584.12). In conclusion, since the available evidence is limited, the clinical significance of this variant is unclear at this time. Therefore, it is classified as a Variant of Uncertain Significance.

Labcorp Genetics (formerly Invitae), Labcorp
Classification: Uncertain significance for Gastrointestinal stromal tumor. Last evaluated: 2025-12-17. Review status: criteria provided, single submitter. Criteria: Invitae Variant Classification Sherloc (09022015). Collection method: clinical testing. Allele origin: germline.
Comment: This sequence change replaces aspartic acid, which is acidic and polar, with asparagine, which is neutral and polar, at codon 287 of the PDGFRA protein (p.Asp287Asn). This variant is not present in population databases (gnomAD no frequency). This variant has not been reported in the literature in individuals affected with PDGFRA-related conditions. ClinVar contains an entry for this variant (Variation ID: 528584). Invitae Evidence Modeling of protein sequence and biophysical properties (such as structural, functional, and spatial information, amino acid conservation, physicochemical variation, residue mobility, and thermodynamic stability) indicates that this missense variant is not expected to disrupt PDGFRA protein function with a negative predictive value of 80%. In summary, the available evidence is currently insufficient to determine the role of this variant in disease. Therefore, it has been classified as a Variant of Uncertain Significance.

GeneDx
Classification: Uncertain significance. Last evaluated: 2023-11-21. Review status: criteria provided, single submitter. Criteria: GeneDx Variant Classification Process June 2021. Collection method: clinical testing. Allele origin: germline. Affected: yes.
Comment: Not observed at significant frequency in large population cohorts (gnomAD); In silico analysis supports that this missense variant does not alter protein structure/function; Has not been previously published as pathogenic or benign to our knowledge

Ambry Genetics
Classification: Uncertain significance for Hereditary cancer-predisposing syndrome. Last evaluated: 2022-12-12. Review status: criteria provided, single submitter. Criteria: Ambry Variant Classification Scheme 2023. Collection method: clinical testing. Allele origin: germline.
Comment: The p.D287N variant (also known as c.859G>A), located in coding exon 5 of the PDGFRA gene, results from a G to A substitution at nucleotide position 859. The aspartic acid at codon 287 is replaced by asparagine, an amino acid with highly similar properties. This amino acid position is well conserved in available vertebrate species. In addition, this alteration is predicted to be tolerated by in silico analysis. Since supporting evidence is limited at this time, the clinical significance of this alteration remains unclear.